The following is an entry in ClinVar:

ClinVar aggregate classification (germline): Uncertain significance (1 of 4 stars; one submission).

gnomAD v4.1: 1 of 1,614,078 alleles (0.000062%); highest among the groups gnomAD compares: Non-Finnish European, 0.000085%; no homozygotes.

Submission:

GeneDx
Classification: Uncertain significance. Last evaluated: 2024-11-22. Review status: criteria provided, single submitter. Criteria: GeneDx Variant Classification Process June 2021. Collection method: clinical testing. Allele origin: germline. Affected: yes.
Comment: Nonsense variant predicted to result in protein truncation as the last 38 amino acids are lost; Not observed at significant frequency in large population cohorts (gnomAD); Has not been previously published as pathogenic or benign to our knowledge

NM_005188.4(CBL):c.2607C>G (p.Tyr869Ter)

Gene: CBL (Cbl proto-oncogene; plus strand). Cytogenetic location: 11q23.3.
Variant type: single nucleotide variant.
Coding change: c.2607C>G on transcript NM_005188.4 (MANE Select); coding-DNA position 2607, C replaced by G.
Protein change: p.Tyr869Ter; replaces tyrosine 869 with a stop codon.
Molecular consequence: nonsense.
Genome position (GRCh38, 1-based): chr11:119,299,667, C>G. VCF-style: chr11-119299667-C-G. GRCh37 (hg19) VCF-style: chr11-119170377-C-G.
Other names: short protein forms Y869*.
Identifiers: ClinVar variation 3900598 (VCV003900598.1).